The following is an entry in ClinVar:

ClinVar aggregate classification (germline): Uncertain significance (1 of 4 stars; one submission).

Conditions:
Inborn genetic diseases. Identifiers: MedGen C0950123, MeSH D030342.

Submission:

Ambry Genetics
Classification: Uncertain significance for Inborn genetic diseases. Last evaluated: 2026-03-11. Review status: criteria provided, single submitter. Criteria: Ambry Variant Classification Scheme 2023. Collection method: clinical testing. Allele origin: germline.
Comment: The p.P556S variant (also known as c.1666C>T), located in coding exon 11 of the LTBP3 gene, results from a C to T substitution at nucleotide position 1666. The proline at codon 556 is replaced by serine, an amino acid with similar properties. This amino acid position is conserved. In addition, this alteration is predicted to be tolerated by in silico analysis. Based on the available evidence, the clinical significance of this variant remains unclear.

NM_001130144.3(LTBP3):c.1666C>T (p.Pro556Ser)

Gene: LTBP3 (latent transforming growth factor beta binding protein 3; minus strand). Cytogenetic location: 11q13.1.
Variant type: single nucleotide variant.
Coding change: c.1666C>T on transcript NM_001130144.3 (MANE Select); coding-DNA position 1666, C replaced by T.
Protein change: p.Pro556Ser; replaces proline 556 with serine.
Molecular consequence: missense variant.
Genome position (GRCh38, 1-based): chr11:65,551,180, G>A on the plus strand (C>T on the coding strand, the complement: LTBP3 is on the minus strand). VCF-style: chr11-65551180-G-A. GRCh37 (hg19) VCF-style: chr11-65318651-G-A.
Other names: c.1315C>T, p.Pro439Ser (NM_001164266.1); c.1666C>T, p.Pro556Ser (NM_021070.4); short protein forms P439S, P556S.
Identifiers: ClinVar variation 4825734 (VCV004825734.1).